The following is an entry in ClinVar:

NM_000453.3(SLC5A5):c.495G>A (p.Trp165Ter)

Gene: SLC5A5 (solute carrier family 5 member 5; plus strand). Cytogenetic location: 19p13.11.
Variant type: single nucleotide variant.
Coding change: c.495G>A on transcript NM_000453.3 (MANE Select); coding-DNA position 495, G replaced by A.
Protein change: p.Trp165Ter; replaces tryptophan 165 with a stop codon.
Molecular consequence: nonsense.
Genome position (GRCh38, 1-based): chr19:17,874,683, G>A. VCF-style: chr19-17874683-G-A. GRCh37 (hg19) VCF-style: chr19-17985492-G-A.
Other names: c.228G>A, p.Trp76Ter (NM_001440707.1); short protein forms W76*, W165*.
Identifiers: ClinVar variation 4760216 (VCV004760216.1).
Genomic context (GRCh38, chr19:17,874,683, plus strand): 5'-CCCCGCCCAGGGGCCTAACAGGGGGACCTCTTTTTGCATAGTGACCGGGCTGGACATCTG[G>A]GCGTCGCTCCTGTCCACCGGAATTATCTGCACCTTCTACACGGCTGTGGTGAGTGGCCCT-3'

ClinVar aggregate classification (germline): Pathogenic (1 of 4 stars; one submission).

gnomAD v4.1: 1 of 1,614,034 alleles (0.000062%); highest among the groups gnomAD compares: South Asian, 0.0011%; no homozygotes.

Submission:

Labcorp Genetics (formerly Invitae), Labcorp
Classification: Pathogenic. Last evaluated: 2026-01-20. Review status: criteria provided, single submitter. Criteria: Invitae Variant Classification Sherloc (09022015). Collection method: clinical testing. Allele origin: germline.
Comment: This sequence change creates a premature translational stop signal (p.Trp165*) in the SLC5A5 gene. It is expected to result in an absent or disrupted protein product. Loss-of-function variants in SLC5A5 are known to be pathogenic (PMID: 9388506, 9486973). This variant is not present in population databases (gnomAD no frequency). This variant has not been reported in the literature in individuals affected with SLC5A5-related conditions. For these reasons, this variant has been classified as Pathogenic.

Literature cited by the submitters: PubMed 9388506; PubMed 9486973.